The following is an entry in ClinVar:

ClinVar aggregate classification (germline): Uncertain significance (1 of 4 stars; one submission).

Conditions:
Malignant hyperthermia, susceptibility to, 1 (MHS1). Also called: Anesthesia related hyperthermia; Malignant hyperpyrexia; Fulminating hyperpyrexia; Pharmacogenic myopathy; RYR1-Related Malignant Hyperthermia Susceptibility; Malignant hyperthermia suceptibility 1. Identifiers: Orphanet 423, MedGen C2930980, MONDO:0007783, OMIM 145600.

Submission:

All of Us Research Program, National Institutes of Health
Classification: Uncertain significance for Malignant hyperthermia, susceptibility to, 1. Last evaluated: 2024-05-14. Review status: criteria provided, single submitter. Criteria: ACMG Guidelines, 2015. Collection method: clinical testing. Allele origin: germline. Inheritance: Autosomal dominant inheritance. Observed: 1 variant allele, 1 heterozygote.
Comment: This missense variant replaces alanine with valine at codon 144 of the RYR1 protein. Computational prediction suggests that this variant may have deleterious impact on protein structure and function (internally defined REVEL score threshold >= 0.7, PMID: 27666373). To our knowledge, functional studies have not been reported for this variant. This variant has not been reported in individuals affected with RYR1-related disorders in the literature. This variant has not been identified in the general population by the Genome Aggregation Database (gnomAD). The available evidence is insufficient to determine the role of this variant in disease conclusively. Therefore, this variant is classified as a Variant of Uncertain Significance.

This study involves interpretation of variants in research participants for the purpose of population health screening. Participant phenotype was not available at the time of variant classification. Additional details can be found in publication PMID: 35346344, PMCID: PMC8962531

NM_000540.3(RYR1):c.431C>T (p.Ala144Val)

Gene: RYR1 (ryanodine receptor 1; plus strand). Cytogenetic location: 19q13.2.
Variant type: single nucleotide variant.
Coding change: c.431C>T on transcript NM_000540.3 (MANE Select); coding-DNA position 431, C replaced by T.
Protein change: p.Ala144Val; replaces alanine 144 with valine.
Molecular consequence: missense variant.
Genome position (GRCh38, 1-based): chr19:38,444,155, C>T. VCF-style: chr19-38444155-C-T. GRCh37 (hg19) VCF-style: chr19-38934795-C-T.
Other names: c.431C>T, p.Ala144Val (NM_001042723.2); short protein forms A144V.
Identifiers: ClinVar variation 3387624 (VCV003387624.1).
Genomic context (GRCh38, chr19:38,444,155, plus strand): 5'-GCATTCTGGGAAGCCATCATCTGACAGCCACCCCCATTCCATCCCCACCCATAGGAGAGG[C>T]TTGCTGGTGGACCATGCACCCAGCCTCCAAGCAGAGGTCTGAAGGAGAAAAGGTCCGCGT-3'
Protein context (NP_000531.2, residues 134-154): VGLQEDATGE[Ala144Val]CWWTMHPASK